The following is an entry in ClinVar:

NM_004535.3(MYT1):c.2587C>G (p.Arg863Gly)

Gene: MYT1 (myelin transcription factor 1; plus strand). Cytogenetic location: 20q13.33.
Variant type: single nucleotide variant.
Coding change: c.2587C>G on transcript NM_004535.3 (MANE Select); coding-DNA position 2587, C replaced by G.
Protein change: p.Arg863Gly; replaces arginine 863 with glycine.
Molecular consequence: missense variant.
Genome position (GRCh38, 1-based): chr20:64,227,473, C>G. VCF-style: chr20-64227473-C-G. GRCh37 (hg19) VCF-style: chr20-62858826-C-G.
Other names: c.2587C>G (NM_004535.2); short protein forms R863G.
Identifiers: ClinVar variation 4945981 (VCV004945981.2).

ClinVar aggregate classification (germline): Uncertain significance. Review status: criteria provided, multiple submitters, no conflicts (2 of 4 stars). 2 submissions from 2 submitters: Uncertain significance (2). Last evaluated 2025-11-13.

Conditions:
MYT1-related disorder. Also called: MYT1-related condition.

Submissions (2):

PreventionGenetics, part of Exact Sciences
Classification: Uncertain significance for MYT1-related condition. Last evaluated: 2025-11-13. Review status: criteria provided, single submitter. Criteria: ACMG Guidelines, 2015. Collection method: clinical testing. Allele origin: germline.
Comment: The MYT1 c.2587C>G variant is predicted to result in the amino acid substitution p.Arg863Gly. To our knowledge, this variant has not been reported in the literature or in a large population database (gnomAD), indicating this variant is rare. At this time, the clinical significance of this variant is uncertain due to the absence of conclusive functional and genetic evidence.

Blueprint Genetics
Classification: Uncertain significance. Last evaluated: 2022-07-30. Review status: criteria provided, single submitter. Criteria: ACMG Guidelines, 2015. Collection method: clinical testing. Allele origin: germline.